The following is an entry in ClinVar:

NM_001040142.2(SCN2A):c.4437G>C (p.Gln1479His)

Gene: SCN2A (sodium voltage-gated channel alpha subunit 2; plus strand). Cytogenetic location: 2q24.3.
Variant type: single nucleotide variant.
Coding change: c.4437G>C on transcript NM_001040142.2 (MANE Select); coding-DNA position 4437, G replaced by C.
Protein change: p.Gln1479His; replaces glutamine 1479 with histidine.
Molecular consequence: missense variant.
Genome position (GRCh38, 1-based): chr2:165,380,720, G>C. VCF-style: chr2-165380720-G-C. GRCh37 (hg19) VCF-style: chr2-166237230-G-C.
Other names: c.4437G>C, p.Gln1479His (NM_001040143.2, NM_001371246.1, NM_001371247.1 and 1 more transcripts); c.4437G>C (NM_001040143.1); short protein forms Q1479H.
Identifiers: ClinVar variation 1308640 (VCV001308640.2), dbSNP rs2105384764, ClinGen allele CA349034361.

ClinVar aggregate classification (germline): Likely pathogenic. Review status: criteria provided, multiple submitters, no conflicts (2 of 4 stars). 2 submissions from 2 submitters: Likely pathogenic (2). Last evaluated 2021-10-18.

Conditions:
Developmental and epileptic encephalopathy, 11 (DEE11). Also called: Early infantile epileptic encephalopathy 11. Identifiers: Orphanet 1934, MedGen C3150987, MONDO:0013388, OMIM 613721.
SCN2A-related disorder. Also called: SCN2A-related condition; SCN2A-related disorders. Identifiers: MedGen CN382226, MONDO:1060245.

Submissions (2):

Equipe Genetique des Anomalies du Developpement, Université de Bourgogne
Classification: Likely pathogenic for Developmental and epileptic encephalopathy, 11. Last evaluated: 2021-10-18. Review status: criteria provided, single submitter. Criteria: ACMG Guidelines, 2015. Collection method: clinical testing. Allele origin: de novo. Affected: yes.

Rady Children's Institute for Genomic Medicine, Rady Children's Hospital San Diego
Classification: Likely pathogenic for SCN2A-Related Disorders. Review status: criteria provided, single submitter. Criteria: ACMG Guidelines, 2015. Collection method: clinical testing. Allele origin: germline. Affected: yes.
Comment: This variant has not been previously reported or functionally characterized in the literature to our knowledge. However, a different variant affecting the same amino acid residue, c.4435C>A (p.Gln1479Lys), has been reported in the ClinVar database (Variation ID: 436661). Additionally, other variants at the same amino acid position have been reported in the literature in patients with epileptic encephalopathy (PMID: 26993267, 32090326, 29655203). It is absent from the gnomAD population database and thus is presumed to be rare. The c.4437G>C (p.Gln1479His) variant affects a conserved amino acid and is predicted by multiple in silico tools to have a deleterious effect on protein function. Analysis of the parental samples was negative for the variant, indicating this variant likely occurred as a de novo event. Based on the available evidence, the c.4437G>C (p.Gln1479His) variant is classified as Likely Pathogenic.